The following is an entry in ClinVar:

ClinVar aggregate classification (germline): Uncertain significance. Review status: criteria provided, multiple submitters, no conflicts (2 of 4 stars). 2 submissions from 2 submitters: Uncertain significance (2). Last evaluated 2025-12-09.

Conditions:
Inborn genetic diseases. Identifiers: MedGen C0950123, MeSH D030342.

Allele frequency attached by ClinVar (database versions not stated): gnomAD exomes below 0.00001 and 0.00002.
gnomAD v4.1: 26 of 1,614,098 alleles (0.0016%); highest among the groups gnomAD compares: Non-Finnish European, 0.0021%; no homozygotes.

Submissions (2):

Ambry Genetics
Classification: Uncertain significance for Inborn genetic diseases. Last evaluated: 2025-12-09. Review status: criteria provided, single submitter. Criteria: Ambry Variant Classification Scheme 2023. Collection method: clinical testing. Allele origin: germline.

Labcorp Genetics (formerly Invitae), Labcorp
Classification: Uncertain significance. Last evaluated: 2024-10-07. Review status: criteria provided, single submitter. Criteria: Invitae Variant Classification Sherloc (09022015). Collection method: clinical testing. Allele origin: germline.
Comment: This sequence change replaces lysine, which is basic and polar, with glutamic acid, which is acidic and polar, at codon 173 of the WISP3 protein (p.Lys173Glu). This variant is present in population databases (no rsID available, gnomAD 0.0009%). This variant has not been reported in the literature in individuals affected with WISP3-related conditions. ClinVar contains an entry for this variant (Variation ID: 1680465). Invitae Evidence Modeling of protein sequence and biophysical properties (such as structural, functional, and spatial information, amino acid conservation, physicochemical variation, residue mobility, and thermodynamic stability) has been performed for this missense variant. However, the output from this modeling did not meet the statistical confidence thresholds required to predict the impact of this variant on WISP3 protein function. In summary, the available evidence is currently insufficient to determine the role of this variant in disease. Therefore, it has been classified as a Variant of Uncertain Significance.

NM_198239.2(CCN6):c.517A>G (p.Lys173Glu)

Gene: CCN6 (cellular communication network factor 6; plus strand). Cytogenetic location: 6q21.
Variant type: single nucleotide variant.
Coding change: c.517A>G on transcript NM_198239.2 (MANE Select); coding-DNA position 517, A replaced by G.
Protein change: p.Lys173Glu; replaces lysine 173 with glutamic acid.
Molecular consequence: missense variant. On other transcripts: non-coding transcript variant (2).
Genome position (GRCh38, 1-based): chr6:112,064,925, A>G. VCF-style: chr6-112064925-A-G. GRCh37 (hg19) VCF-style: chr6-112386128-A-G.
Other names: c.517A>G, p.Lys173Glu (NM_003880.4); c.517A>G (NM_003880.3); short protein forms K173E.
Identifiers: ClinVar variation 1680465 (VCV001680465.6), dbSNP rs1253968333, ClinGen allele CA365372155.
Genomic context (GRCh38, chr6:112,064,925, plus strand): 5'-ACACCTCTGTTCATACCAAAGCTGGCTGGCAGTCACTGCTCTGGAGCTAAAGGTGGAAAG[A>G]AGTCTGATCAGTCAAACTGTAGCCTGGAACCATTACTACAGCAGCTTTCAACAAGCTACA-3'
Protein context (NP_937882.2, residues 163-183): SHCSGAKGGK[Lys173Glu]SDQSNCSLEP